The following is an entry in ClinVar:

ClinVar aggregate classification (germline): Uncertain significance. Review status: criteria provided, multiple submitters, no conflicts (2 of 4 stars). 3 submissions from 3 submitters: Uncertain significance (3). Last evaluated 2025-05-13.

Conditions:
Dilated cardiomyopathy 1AA (CMD1AA). Also called: CARDIOMYOPATHY, DILATED, 1AA, WITH OR WITHOUT LEFT VENTRICULAR NONCOMPACTION; CARDIOMYOPATHY, FAMILIAL HYPERTROPHIC, 23, WITH OR WITHOUT LEFT VENTRICULAR NONCOMPACTION; Cardiomyopathy, dilated, 1AA, with or without LVNC. Identifiers: Orphanet 154, MedGen C2677338, MONDO:0012808, OMIM 612158.
Primary familial hypertrophic cardiomyopathy (HCM). Identifiers: Orphanet 99739, MedGen C0949658, MeSH D024741, MONDO:0024573. Inheritance: Various modes of inheritance.
Cardiovascular phenotype. Identifiers: MedGen CN230736.

Allele frequency attached by ClinVar (database versions not stated): gnomAD 0.00001.
gnomAD v4.1: 1 of 1,614,016 alleles (0.000062%); highest among the groups gnomAD compares: African/African-American, 0.0013%; no homozygotes.

Submissions (3):

Labcorp Genetics (formerly Invitae), Labcorp
Classification: Uncertain significance for Primary familial hypertrophic cardiomyopathy; Dilated cardiomyopathy 1AA. Last evaluated: 2025-05-13. Review status: criteria provided, single submitter. Criteria: Invitae Variant Classification Sherloc (09022015). Collection method: clinical testing. Allele origin: germline.
Comment: This sequence change replaces histidine, which is basic and polar, with aspartic acid, which is acidic and polar, at codon 413 of the ACTN2 protein (p.His413Asp). This variant is not present in population databases (gnomAD no frequency). This variant has not been reported in the literature in individuals affected with ACTN2-related conditions. ClinVar contains an entry for this variant (Variation ID: 1712647). Invitae Evidence Modeling of protein sequence and biophysical properties (such as structural, functional, and spatial information, amino acid conservation, physicochemical variation, residue mobility, and thermodynamic stability) indicates that this missense variant is expected to disrupt ACTN2 protein function with a positive predictive value of 80%. In summary, the available evidence is currently insufficient to determine the role of this variant in disease. Therefore, it has been classified as a Variant of Uncertain Significance.

Ambry Genetics
Classification: Uncertain significance for Cardiovascular phenotype. Last evaluated: 2022-10-17. Review status: criteria provided, single submitter. Criteria: Ambry Variant Classification Scheme 2023. Collection method: clinical testing. Allele origin: germline.
Comment: The p.H413D variant (also known as c.1237C>G), located in coding exon 11 of the ACTN2 gene, results from a C to G substitution at nucleotide position 1237. The histidine at codon 413 is replaced by aspartic acid, an amino acid with similar properties. This amino acid position is conserved. In addition, this alteration is predicted to be deleterious by in silico analysis. Since supporting evidence is limited at this time, the clinical significance of this alteration remains unclear.

GeneDx
Classification: Uncertain significance. Last evaluated: 2022-04-26. Review status: criteria provided, single submitter. Criteria: GeneDx Variant Classification Process June 2021. Collection method: clinical testing. Allele origin: germline. Affected: yes.
Comment: Not observed at significant frequency in large population cohorts (gnomAD); In silico analysis supports that this missense variant has a deleterious effect on protein structure/function; Has not been previously published as pathogenic or benign to our knowledge

NM_001103.4(ACTN2):c.1237C>G (p.His413Asp)

Gene: ACTN2 (actinin alpha 2; plus strand). Cytogenetic location: 1q43.
Variant type: single nucleotide variant.
Coding change: c.1237C>G on transcript NM_001103.4 (MANE Select); coding-DNA position 1237, C replaced by G.
Protein change: p.His413Asp; replaces histidine 413 with aspartic acid.
Molecular consequence: missense variant.
Genome position (GRCh38, 1-based): chr1:236,743,025, C>G. VCF-style: chr1-236743025-C-G. GRCh37 (hg19) VCF-style: chr1-236906325-C-G.
Other names: c.613C>G, p.His205Asp (NM_001278344.2); c.487C>G, p.His163Asp (NM_001412150.1); c.1237C>G, p.His413Asp (NM_001278343.2); short protein forms H163D, H205D, H413D.
Identifiers: ClinVar variation 1712647 (VCV001712647.5), dbSNP rs1659120472, ClinGen allele CA345382479.